The following is an entry in ClinVar:

ClinVar aggregate classification (germline): Likely pathogenic (1 of 4 stars; one submission).

Conditions:
Leukodystrophy, hypomyelinating, 2. Also called: PELIZAEUS-MERZBACHER-LIKE DISEASE, 1. Identifiers: Orphanet 280270, Orphanet 280282, MedGen C1837355, MONDO:0012125, OMIM 608804.

Submission:

Molecular Diagnostics Lab, Nemours Children's Health, Delaware
Classification: Likely pathogenic for Leukodystrophy, hypomyelinating, 2. Last evaluated: 2021-06-30. Review status: criteria provided, single submitter. Criteria: ACMG Guidelines, 2015. Collection method: clinical testing. Allele origin: unknown. Inheritance: Autosomal recessive inheritance. Affected: yes. Observed: 2 compound heterozygotes.
Comment: This variant (c.893_942del, p.Val298Alafs*33) predicts a frameshift to a preamture stop. It has not been observed in population databases (gnomAD) and has not been reported in the literature.

NM_020435.4(GJC2):c.893_942del (p.Val298fs)

Gene: GJC2 (gap junction protein gamma 2; plus strand). Cytogenetic location: 1q42.13.
Variant type: Deletion.
Coding change: c.893_942del on transcript NM_020435.4 (MANE Select); coding-DNA positions 893 to 942, 50 bases deleted.
Protein change: p.Val298fs; shifts the reading frame from valine 298.
Molecular consequence: frameshift variant.
Genome position (GRCh38, 1-based): chr1:228,158,651-228,158,700, 50 bases deleted; deleting any 50 consecutive bases within chr1:228,158,646-228,158,700 gives the same sequence; the c. name uses the placement nearest the transcript's 3' end. GRCh37 (hg19): chr1:228,346,352-228,346,401.
Other names: short protein forms V298fs.
Identifiers: ClinVar variation 3336785 (VCV003336785.2).